The following is an entry in ClinVar:

NM_001206999.2(CIT):c.4131G>A (p.Pro1377=)

Gene: CIT (citron rho-interacting serine/threonine kinase; minus strand). Cytogenetic location: 12q24.23.
Variant type: single nucleotide variant.
Coding change: c.4131G>A on transcript NM_001206999.2 (MANE Select); coding-DNA position 4131, G replaced by A.
Protein change: p.Pro1377=; no amino-acid change (proline 1377 retained).
Molecular consequence: synonymous variant.
Genome position (GRCh38, 1-based): chr12:119,718,282, C>T on the plus strand (G>A on the coding strand, the complement: CIT is on the minus strand). VCF-style: chr12-119718282-C-T. GRCh37 (hg19) VCF-style: chr12-120156087-C-T.
Other names: c.4005G>A, p.Pro1335= (NM_007174.3).
Identifiers: ClinVar variation 3031222 (VCV003031222.2), dbSNP rs755717565, ClinGen allele CA6821332.

ClinVar aggregate classification (germline): Likely benign (0 of 4 stars; one submission).

Conditions:
CIT-related disorder. Also called: CIT-related condition.

Allele frequency attached by ClinVar (database versions not stated): gnomAD exomes 0.00001; TOPMed 0.00003; ExAC 0.00004.
gnomAD v4.1: 13 of 1,613,554 alleles (0.00081%); highest among the groups gnomAD compares: East Asian, 0.0045%; no homozygotes.

Submission:

PreventionGenetics, part of Exact Sciences
Classification: Likely benign for CIT-related condition. Last evaluated: 2022-05-27. Review status: no assertion criteria provided. Collection method: clinical testing. Allele origin: germline.
Comment: This variant is classified as likely benign based on ACMG/AMP sequence variant interpretation guidelines (Richards et al. 2015 PMID: 25741868, with internal and published modifications).